The following is an entry in ClinVar:

ClinVar aggregate classification (germline): Uncertain significance (1 of 4 stars; one submission).

Submission:

GeneDx
Classification: Uncertain significance. Last evaluated: 2023-06-20. Review status: criteria provided, single submitter. Criteria: GeneDx Variant Classification Process June 2021. Collection method: clinical testing. Allele origin: germline. Affected: yes.
Comment: Not observed at significant frequency in large population cohorts (gnomAD); In silico analysis supports that this missense variant does not alter protein structure/function; Has not been previously published as pathogenic or benign to our knowledge

NM_031407.7(HUWE1):c.7105G>A (p.Val2369Met)

Gene: HUWE1 (HECT, UBA and WWE domain containing E3 ubiquitin protein ligase 1; minus strand). Cytogenetic location: Xp11.22.
Variant type: single nucleotide variant.
Coding change: c.7105G>A on transcript NM_031407.7 (MANE Select); coding-DNA position 7105, G replaced by A.
Protein change: p.Val2369Met; replaces valine 2369 with methionine.
Molecular consequence: missense variant.
Genome position (GRCh38, 1-based): chrX:53,563,746, C>T on the plus strand (G>A on the coding strand, the complement: HUWE1 is on the minus strand). VCF-style: chrX-53563746-C-T. GRCh37 (hg19) VCF-style: chrX-53590707-C-T.
Other names: short protein forms V2369M.
Identifiers: ClinVar variation 3343076 (VCV003343076.1).
Genomic context (GRCh38, chrX:53,563,746, plus strand): 5'-GGTCCTCCCAAGAGAGACTGAGGCAAAGGAAGAGGCTATACTCAGTTCTGGGGCTCTCAC[C>T]TATAATTGTACTGTTCCCAGATCCGCCATCCCTCTCAAGCAACTCATCTATCAGGTCCTC-3'
Protein context (NP_113584.3, residues 2359-2379): DGGSGNSTII[Val2369Met]SRSGEDESQE